The following is an entry in ClinVar:

ClinVar aggregate classification (germline): Pathogenic (1 of 4 stars; one submission).

Conditions:
EGFR-related lung cancer (EGFR). Identifiers: MedGen CN130014.

Submission:

Labcorp Genetics (formerly Invitae), Labcorp
Classification: Pathogenic for EGFR-related lung cancer. Last evaluated: 2021-10-24. Review status: criteria provided, single submitter. Criteria: Invitae Variant Classification Sherloc (09022015). Collection method: clinical testing. Allele origin: germline.
Comment: For these reasons, this variant has been classified as Pathogenic. This variant has not been reported in the literature in individuals affected with EGFR-related conditions. The frequency data for this variant in the population databases is not available, as this variant may be reported as separate entries in the ExAC database. This sequence change creates a premature translational stop signal (p.Cys620*) in the EGFR gene. It is expected to result in an absent or disrupted protein product. Loss-of-function variants in EGFR are known to be pathogenic (PMID: 7630400, 28726809, 29899996).

Literature cited by the submitters: PubMed 7630400; PubMed 28726809; PubMed 29899996.

NM_005228.5(EGFR):c.1860_1861delinsAA (p.Cys620_His621delinsTer)

Gene: EGFR (epidermal growth factor receptor; plus strand). Cytogenetic location: 7p11.2.
Variant type: Indel.
Coding change: c.1860_1861delinsAA on transcript NM_005228.5 (MANE Select); coding-DNA positions 1860 to 1861, CC replaced by AA.
Protein change: p.Cys620_His621delinsTer.
Molecular consequence: nonsense.
Genome position (GRCh38, 1-based): chr7:55,165,417-55,165,418, CC replaced by AA. VCF-style: chr7-55165417-CC-AA. GRCh37 (hg19) VCF-style: chr7-55233110-CC-AA.
Other names: c.1725_1726delinsAA, p.Cys575_His576delinsTer (NM_001346897.2, NM_001346899.2); c.1860_1861delinsAA, p.Cys620_His621delinsTer (NM_001346898.2, NM_201282.2, NM_201284.2); c.1701_1702delinsAA, p.Cys567_His568delinsTer (NM_001346900.2); c.1059_1060delinsAA, p.Cys353_His354delinsTer (NM_001346941.2).
Identifiers: ClinVar variation 1453945 (VCV001453945.6), dbSNP rs2128946495, ClinGen allele CA2573142283.